The following is an entry in ClinVar:

NM_021008.4(DEAF1):c.101G>C (p.Gly34Ala)

Gene: DEAF1 (DEAF1 transcription factor; minus strand). Cytogenetic location: 11p15.5.
Variant type: single nucleotide variant.
Coding change: c.101G>C on transcript NM_021008.4 (MANE Select); coding-DNA position 101, G replaced by C.
Protein change: p.Gly34Ala; replaces glycine 34 with alanine.
Molecular consequence: missense variant. On other transcripts: intron variant (1).
Genome position (GRCh38, 1-based): chr11:694,947, C>G on the plus strand (G>C on the coding strand, the complement: DEAF1 is on the minus strand). VCF-style: chr11-694947-C-G. GRCh37 (hg19) VCF-style: chr11-694947-C-G.
Other names: c.101G>C, p.Gly34Ala (NM_001293634.2); c.-437-3349G>C (NM_001367390.1); short protein forms G34A.
Identifiers: ClinVar variation 1466353 (VCV001466353.6), dbSNP rs1001719666, ClinGen allele CA5786655.

ClinVar aggregate classification (germline): Uncertain significance (1 of 4 stars; one submission).

Allele frequency attached by ClinVar (database versions not stated): gnomAD exomes 0.00007.
gnomAD v4.1: 36 of 1,281,434 alleles (0.0028%); highest among the groups gnomAD compares: Admixed American, 0.0038%; no homozygotes.

Submission:

Labcorp Genetics (formerly Invitae), Labcorp
Classification: Uncertain significance. Last evaluated: 2022-12-06. Review status: criteria provided, single submitter. Criteria: Invitae Variant Classification Sherloc (09022015). Collection method: clinical testing. Allele origin: germline.
Comment: In summary, the available evidence is currently insufficient to determine the role of this variant in disease. Therefore, it has been classified as a Variant of Uncertain Significance. Advanced modeling of protein sequence and biophysical properties (such as structural, functional, and spatial information, amino acid conservation, physicochemical variation, residue mobility, and thermodynamic stability) performed at Invitae indicates that this missense variant is not expected to disrupt DEAF1 protein function. ClinVar contains an entry for this variant (Variation ID: 1466353). This variant has not been reported in the literature in individuals affected with DEAF1-related conditions. The frequency data for this variant in the population databases is considered unreliable, as metrics indicate poor data quality at this position in the gnomAD database. This sequence change replaces glycine, which is neutral and non-polar, with alanine, which is neutral and non-polar, at codon 34 of the DEAF1 protein (p.Gly34Ala).